The following is an entry in ClinVar:

NM_032119.4(ADGRV1):c.14405G>A (p.Arg4802Gln)

Gene: ADGRV1 (adhesion G protein-coupled receptor V1; plus strand). Cytogenetic location: 5q14.3.
Variant type: single nucleotide variant.
Coding change: c.14405G>A on transcript NM_032119.4 (MANE Select); coding-DNA position 14405, G replaced by A.
Protein change: p.Arg4802Gln; replaces arginine 4802 with glutamine.
Molecular consequence: missense variant. On other transcripts: non-coding transcript variant (1).
Genome position (GRCh38, 1-based): chr5:90,791,234, G>A. VCF-style: chr5-90791234-G-A. GRCh37 (hg19) VCF-style: chr5-90087051-G-A.
Other names: short protein forms R4802Q.
Identifiers: ClinVar variation 666649 (VCV000666649.18), dbSNP rs534266547, ClinGen allele CA3341721.

ClinVar aggregate classification (germline): Conflicting classifications of pathogenicity. Review status: criteria provided, conflicting classifications (1 of 4 stars). 6 submissions from 6 submitters: Uncertain significance (4); Likely benign (2). Last evaluated 2026-01-25.

Conditions:
ADGRV1-related disorder. Also called: ADGRV1-related disorders; ADGRV1-related condition.
Usher syndrome type 2. Also called: Usher Syndrome Type II. Identifiers: Orphanet 231178, MedGen C0339534, MONDO:0016484.
Usher syndrome type 2C. Also called: Usher syndrome, type 2B; USHER SYNDROME, TYPE IIC. Identifiers: Orphanet 231178, Orphanet 886, MedGen C2931213, MONDO:0011558, OMIM 605472.

Allele frequency attached by ClinVar (database versions not stated): gnomAD 0.00006 and 0.00012; TOPMed 0.00006; gnomAD exomes 0.00007 and 0.00023; ExAC 0.00011; 1000 Genomes Project 0.00020; 1000 Genomes Project 30x 0.00031.
gnomAD v4.1: 342 of 1,613,062 alleles (0.021%); highest among the groups gnomAD compares: East Asian, 0.7%; 3 homozygotes.

Submissions (6):

Labcorp Genetics (formerly Invitae), Labcorp
Classification: Likely benign. Last evaluated: 2026-01-25. Review status: criteria provided, single submitter. Criteria: Invitae Variant Classification Sherloc (09022015). Collection method: clinical testing. Allele origin: germline.

PreventionGenetics, part of Exact Sciences
Classification: Uncertain significance for ADGRV1-related condition. Last evaluated: 2026-01-07. Review status: criteria provided, single submitter. Criteria: ACMG Guidelines, 2015. Collection method: clinical testing. Allele origin: germline.
Comment: The ADGRV1 c.14405G>A variant is predicted to result in the amino acid substitution p.Arg4802Gln. To our knowledge, this variant has not been reported in the literature. This variant is reported in 0.078% of alleles in individuals of East Asian descent in gnomAD, which may be too common to be an unreported cause of disease. Although we suspect that this variant may be benign, at this time, the clinical significance of this variant is uncertain due to the absence of conclusive functional and genetic evidence.

Department of Pathology and Laboratory Medicine, Sinai Health System
Classification: Uncertain significance for Usher syndrome type 2. Last evaluated: 2022-05-06. Review status: criteria provided, single submitter. Criteria: ACMG Guidelines, 2015. Collection method: research. Allele origin: germline.

GeneDx
Classification: Uncertain significance. Last evaluated: 2022-03-25. Review status: criteria provided, single submitter. Criteria: GeneDx Variant Classification Process June 2021. Collection method: clinical testing. Allele origin: germline. Affected: yes.
Comment: In silico analysis supports that this missense variant does not alter protein structure/function; Has not been previously published as pathogenic or benign to our knowledge

Laboratory for Molecular Medicine, Mass General Brigham Personalized Medicine
Classification: Likely benign. Last evaluated: 2018-02-28. Review status: criteria provided, single submitter. Criteria: LMM Criteria. Collection method: clinical testing. Allele origin: germline. Observed: 1 variant allele.
Comment: p.Arg4802Gln in exon 70 of ADGRV1: This variant is classified as likely benign d ue to a lack of conservation across species, including mammals. Of note, more th an 10 mammals have a glutamine (Gln) at this position despite high nearby amino acid conservation. In addition, this variant has been identified in 0.09% (16/17 120) of East Asian chromosomes by the Genome Aggregation Database (gnomAD; dbSNP: rs534266547). ACMG/AMP Criteria applied: BP4 _Strong.

Illumina Laboratory Services, Illumina
Classification: Uncertain significance for Usher syndrome type 2C. Last evaluated: 2018-01-12. Review status: criteria provided, single submitter. Criteria: ICSL Variant Classification Criteria 13 December 2019. Collection method: clinical testing. Allele origin: germline.